The following is an entry in ClinVar:

NM_000428.3(LTBP2):c.256G>C (p.Glu86Gln)

Gene: LTBP2 (latent transforming growth factor beta binding protein 2; minus strand). Cytogenetic location: 14q24.3.
Variant type: single nucleotide variant.
Coding change: c.256G>C on transcript NM_000428.3 (MANE Select); coding-DNA position 256, G replaced by C.
Protein change: p.Glu86Gln; replaces glutamic acid 86 with glutamine.
Molecular consequence: missense variant.
Genome position (GRCh38, 1-based): chr14:74,611,689, C>G on the plus strand (G>C on the coding strand, the complement: LTBP2 is on the minus strand). VCF-style: chr14-74611689-C-G. GRCh37 (hg19) VCF-style: chr14-75078392-C-G.
Other names: short protein forms E86Q.
Identifiers: ClinVar variation 2827353 (VCV002827353.3), dbSNP rs2503025895, ClinGen allele CA390388244.

ClinVar aggregate classification (germline): Uncertain significance (1 of 4 stars; one submission).

Submission:

Labcorp Genetics (formerly Invitae), Labcorp
Classification: Uncertain significance. Last evaluated: 2023-01-09. Review status: criteria provided, single submitter. Criteria: Invitae Variant Classification Sherloc (09022015). Collection method: clinical testing. Allele origin: germline.
Comment: In summary, the available evidence is currently insufficient to determine the role of this variant in disease. Therefore, it has been classified as a Variant of Uncertain Significance. Algorithms developed to predict the effect of missense changes on protein structure and function are either unavailable or do not agree on the potential impact of this missense change (SIFT: "Deleterious"; PolyPhen-2: "Benign"; Align-GVGD: "Class C25"). This variant has not been reported in the literature in individuals affected with LTBP2-related conditions. This variant is not present in population databases (gnomAD no frequency). This sequence change replaces glutamic acid, which is acidic and polar, with glutamine, which is neutral and polar, at codon 86 of the LTBP2 protein (p.Glu86Gln).